The following is an entry in ClinVar:

NC_000023.10:g.(?_31747728)_(31747885_?)dup

Gene: DMD (dystrophin; minus strand). Cytogenetic location: Xp21.1.
Variant type: Duplication.
Identifiers: ClinVar variation 1455860 (VCV001455860.6).

ClinVar aggregate classification (germline): Pathogenic (1 of 4 stars; one submission).

Conditions:
Duchenne muscular dystrophy (DMD). Also called: Duchenne Muscular Dystrophy (DMD); MUSCULAR DYSTROPHY, PSEUDOHYPERTROPHIC PROGRESSIVE, DUCHENNE TYPE. Identifiers: Orphanet 98896, MedGen C0013264, MONDO:0010679, OMIM 310200.

Submission:

Labcorp Genetics (formerly Invitae), Labcorp
Classification: Pathogenic for Duchenne muscular dystrophy. Last evaluated: 2022-07-26. Review status: criteria provided, single submitter. Criteria: Invitae Variant Classification Sherloc (09022015). Collection method: clinical testing. Allele origin: germline.
Comment: For these reasons, this variant has been classified as Pathogenic. A similar copy number variant has been observed in individuals with Duchenne muscular dystrophy (PMID: 20381484, 23818053, 28116794, 28610567). This variant results in a copy number gain of the genomic region encompassing exon(s) 52 of the DMD gene. While the exact position of this variant cannot be determined from the data, sub-genic copy number gains are generally in tandem (PMID: 25640679). This variant is predicted to be out-of-frame, and may result in an absent or disrupted protein product. Loss-of-function variants in DMD are known to be pathogenic (PMID: 16770791, 25007885).

Literature cited by the submitters: PubMed 20381484; PubMed 23818053; PubMed 28116794; PubMed 28610567; PubMed 25640679; PubMed 16770791; PubMed 25007885.